The following is an entry in ClinVar:

ClinVar aggregate classification (germline): Benign/Likely benign. Review status: criteria provided, multiple submitters, no conflicts (2 of 4 stars). 3 submissions from 3 submitters: Benign (1); Likely benign (2). Last evaluated 2025-06-04.

Conditions:
Hereditary cancer-predisposing syndrome. Also called: Neoplastic Syndromes, Hereditary; Tumor predisposition; Hereditary neoplastic syndrome; Hereditary Cancer Syndrome. Identifiers: Orphanet 140162, MedGen C0027672, MeSH D009386, MONDO:0015356.
Prostate cancer, hereditary, 9 (HPC9). Identifiers: Orphanet 1331, MedGen C1970250, MONDO:0012597, OMIM 610997.

Submissions (3):

Labcorp Genetics (formerly Invitae), Labcorp
Classification: Likely benign. Last evaluated: 2025-06-04. Review status: criteria provided, single submitter. Criteria: Invitae Variant Classification Sherloc (09022015). Collection method: clinical testing. Allele origin: germline.

Myriad Genetics, Inc.
Classification: Benign for Prostate cancer, hereditary, 9. Last evaluated: 2024-10-30. Review status: criteria provided, single submitter. Criteria: Myriad Autosomal Dominant, Autosomal Recessive and X-Linked Classification Criteria (2023). Collection method: clinical testing. Allele origin: unknown.
Comment: This variant is considered benign. This variant is a silent/synonymous amino acid change and it is not expected to impact splicing.

Ambry Genetics
Classification: Likely benign for Hereditary cancer-predisposing syndrome. Last evaluated: 2019-02-23. Review status: criteria provided, single submitter. Criteria: Ambry Variant Classification Scheme 2023. Collection method: clinical testing. Allele origin: germline.

NM_006361.6(HOXB13):c.522C>T (p.Leu174=)

Gene: HOXB13 (homeobox B13; minus strand). Cytogenetic location: 17q21.32.
Variant type: single nucleotide variant.
Coding change: c.522C>T on transcript NM_006361.6 (MANE Select); coding-DNA position 522, C replaced by T.
Protein change: p.Leu174=; no amino-acid change (leucine 174 retained).
Molecular consequence: synonymous variant.
Genome position (GRCh38, 1-based): chr17:48,728,072, G>A on the plus strand (C>T on the coding strand, the complement: HOXB13 is on the minus strand). VCF-style: chr17-48728072-G-A. GRCh37 (hg19) VCF-style: chr17-46805434-G-A.
Identifiers: ClinVar variation 825570 (VCV000825570.15), dbSNP rs1408338112, ClinGen allele CA500660845.
Genomic context (GRCh38, chr17:48,728,072, plus strand): 5'-AAAGGGACCTGGTGGGTTCTGTTCTCCCTGGCAACACATCTGGCTGTTCCAGCCACCAGC[G>A]AGAGCCCAAGACTGGTAACTGTCCACAGGCAACAGGGAGTCATGTCGCGGTTCTCCAGGA-3'
Protein context (NP_006352.2, residues 164-184): LPVDSYQSWA[Leu174=]AGGWNSQMCC